The following is an entry in ClinVar:

ClinVar aggregate classification (germline): Uncertain significance. Review status: criteria provided, multiple submitters, no conflicts (2 of 4 stars). 2 submissions from 2 submitters: Uncertain significance (2). Last evaluated 2025-11-06.

Allele frequency attached by ClinVar (database versions not stated): gnomAD exomes 0.00005 and 0.00008; gnomAD 0.00006; TOPMed 0.00007; ExAC 0.00011.
gnomAD v4.1: 88 of 1,608,894 alleles (0.0055%); highest among the groups gnomAD compares: Admixed American, 0.018%; no homozygotes.

Submissions (2):

Labcorp Genetics (formerly Invitae), Labcorp
Classification: Uncertain significance. Last evaluated: 2025-11-06. Review status: criteria provided, single submitter. Criteria: Invitae Variant Classification Sherloc (09022015). Collection method: clinical testing. Allele origin: germline.
Comment: This sequence change replaces proline, which is neutral and non-polar, with leucine, which is neutral and non-polar, at codon 395 of the HS6ST1 protein (p.Pro395Leu). This variant is present in population databases (rs766927296, gnomAD 0.03%). This variant has not been reported in the literature in individuals affected with HS6ST1-related conditions. ClinVar contains an entry for this variant (Variation ID: 1488665). An algorithm developed to predict the effect of missense changes on protein structure and function (PolyPhen-2) suggests that this variant is likely to be tolerated. In summary, the available evidence is currently insufficient to determine the role of this variant in disease. Therefore, it has been classified as a Variant of Uncertain Significance.

Ambry Genetics
Classification: Uncertain significance. Last evaluated: 2025-08-14. Review status: criteria provided, single submitter. Criteria: Ambry Variant Classification Scheme 2023. Collection method: clinical testing. Allele origin: germline.

NM_004807.3(HS6ST1):c.1184C>T (p.Pro395Leu)

Gene: HS6ST1 (heparan sulfate 6-O-sulfotransferase 1; minus strand). Cytogenetic location: 2q14.3.
Variant type: single nucleotide variant.
Coding change: c.1184C>T on transcript NM_004807.3 (MANE Select); coding-DNA position 1184, C replaced by T.
Protein change: p.Pro395Leu; replaces proline 395 with leucine.
Molecular consequence: missense variant.
Genome position (GRCh38, 1-based): chr2:128,268,214, G>A on the plus strand (C>T on the coding strand, the complement: HS6ST1 is on the minus strand). VCF-style: chr2-128268214-G-A. GRCh37 (hg19) VCF-style: chr2-129025788-G-A.
Other names: c.1184C>T (NM_004807.2); short protein forms P395L.
Identifiers: ClinVar variation 1488665 (VCV001488665.9), dbSNP rs766927296, ClinGen allele CA1867454.